The following is an entry in ClinVar:

ClinVar aggregate classification (germline): Uncertain significance (1 of 4 stars; one submission).

Conditions:
Atrioventricular septal defect, susceptibility to, 2. Identifiers: MedGen C1853508, MONDO:0011650, OMIM 606217.

gnomAD v4.1: 31 of 1,612,566 alleles (0.0019%); highest among the groups gnomAD compares: East Asian, 0.0067%; no homozygotes.

Submission:

Labcorp Genetics (formerly Invitae), Labcorp
Classification: Uncertain significance for Atrioventricular septal defect, susceptibility to, 2. Last evaluated: 2023-06-19. Review status: criteria provided, single submitter. Criteria: Invitae Variant Classification Sherloc (09022015). Collection method: clinical testing. Allele origin: germline.
Comment: This sequence change replaces glutamic acid, which is acidic and polar, with aspartic acid, which is acidic and polar, at codon 78 of the CRELD1 protein (p.Glu78Asp). The frequency data for this variant in the population databases is considered unreliable, as metrics indicate poor data quality at this position in the gnomAD database. This variant has not been reported in the literature in individuals affected with CRELD1-related conditions. An algorithm developed to predict the effect of missense changes on protein structure and function (PolyPhen-2) suggests that this variant is likely to be disruptive. In summary, the available evidence is currently insufficient to determine the role of this variant in disease. Therefore, it has been classified as a Variant of Uncertain Significance.

NM_001077415.3(CRELD1):c.234G>T (p.Glu78Asp)

Gene: CRELD1 (CRELD disulfide isomerase 1; plus strand). Cytogenetic location: 3p25.3.
Variant type: single nucleotide variant.
Coding change: c.234G>T on transcript NM_001077415.3 (MANE Select); coding-DNA position 234, G replaced by T.
Protein change: p.Glu78Asp; replaces glutamic acid 78 with aspartic acid.
Molecular consequence: missense variant. On other transcripts: non-coding transcript variant (3).
Genome position (GRCh38, 1-based): chr3:9,934,894, G>T. VCF-style: chr3-9934894-G-T. GRCh37 (hg19) VCF-style: chr3-9976578-G-T.
Other names: c.234G>T, p.Glu78Asp (NM_001410713.1, NM_015513.6, NM_001031717.4 and 5 more transcripts); short protein forms E78D.
Identifiers: ClinVar variation 2858136 (VCV002858136.3), dbSNP rs372016350, ClinGen allele CA70000713.